The following is an entry in ClinVar:

NM_001195.5(BFSP1):c.215T>C (p.Leu72Pro)

Gene: BFSP1 (beaded filament structural protein 1; minus strand). Cytogenetic location: 20p12.1.
Variant type: single nucleotide variant.
Coding change: c.215T>C on transcript NM_001195.5 (MANE Select); coding-DNA position 215, T replaced by C.
Protein change: p.Leu72Pro; replaces leucine 72 with proline.
Molecular consequence: missense variant. On other transcripts: intron variant (4).
Genome position (GRCh38, 1-based): chr20:17,531,115, A>G on the plus strand (T>C on the coding strand, the complement: BFSP1 is on the minus strand). VCF-style: chr20-17531115-A-G. GRCh37 (hg19) VCF-style: chr20-17511760-A-G.
Other names: c.-40-6207T>C (NM_001278608.2, NM_001278606.2); c.45-6207T>C (NM_001278607.2); c.3-6207T>C (NM_001161705.2); short protein forms L72P.
Identifiers: ClinVar variation 1066273 (VCV001066273.9), dbSNP rs2123536475, ClinGen allele CA408309993.

ClinVar aggregate classification (germline): Likely pathogenic (1 of 4 stars; one submission).

Conditions:
Cataract 33. Also called: CATARACT 33, CORTICAL. Identifiers: Orphanet 91492, MedGen C3808107, MONDO:0012665, OMIM 611391.

Allele frequency attached by ClinVar (database versions not stated): gnomAD exomes below 0.00001.
gnomAD v4.1: 3 of 1,339,912 alleles (0.00022%); highest among the groups gnomAD compares: Non-Finnish European, 0.00029%; no homozygotes.

Submission:

Labcorp Genetics (formerly Invitae), Labcorp
Classification: Likely pathogenic for Cataract 33. Last evaluated: 2020-04-19. Review status: criteria provided, single submitter. Criteria: Invitae Variant Classification Sherloc (09022015). Collection method: clinical testing. Allele origin: germline.
Comment: In summary, the currently available evidence indicates that the variant is pathogenic, but additional data are needed to prove that conclusively. Therefore, this variant has been classified as Likely Pathogenic. Algorithms developed to predict the effect of missense changes on protein structure and function are either unavailable or do not agree on the potential impact of this missense change (SIFT: "Deleterious"; PolyPhen-2: "Probably Damaging"; Align-GVGD: "Class C0"). This variant has been observed in individual(s) with clinical features of early-onset cataracts (Invitae). In at least one individual the variant was observed to be de novo. The frequency data for this variant in the population databases is considered unreliable, as metrics indicate insufficient coverage at this position in the ExAC database. This sequence change replaces leucine with proline at codon 72 of the BFSP1 protein (p.Leu72Pro). The leucine residue is highly conserved and there is a moderate physicochemical difference between leucine and proline.